The following is an entry in ClinVar:

NM_001283009.2(RTEL1):c.3499+6G>A

Genes: RTEL1 (regulator of telomere elongation helicase 1; plus strand), RTEL1-TNFRSF6B (RTEL1-TNFRSF6B readthrough (NMD candidate); plus strand). Cytogenetic location: 20q13.33.
Variant type: single nucleotide variant.
Coding change: c.3499+6G>A on transcript NM_001283009.2 (MANE Select); 6 bases into the intron after coding-DNA position 3499, G replaced by A.
Molecular consequence: intron variant.
Genome position (GRCh38, 1-based): chr20:63,695,227, G>A. VCF-style: chr20-63695227-G-A. GRCh37 (hg19) VCF-style: chr20-62326580-G-A.
Other names: c.2830+6G>A (NM_001283010.1); c.3571+6G>A (NM_032957.5); c.3499+6G>A (NM_016434.4).
Identifiers: ClinVar variation 724022 (VCV000724022.14), dbSNP rs201617354, ClinGen allele CA9966050.

ClinVar aggregate classification (germline): Likely benign. Review status: criteria provided, multiple submitters, no conflicts (2 of 4 stars). 4 submissions from 4 submitters: Likely benign (2). 2 of the submissions do not count toward it. Last evaluated 2023-10-26.

Conditions:
RTEL1-related disorder. Also called: RTEL1-related condition; RTEL1-related disorders.
Dyskeratosis congenita. Identifiers: Orphanet 1775, MedGen C0265965, MONDO:0015780.
Dyskeratosis congenita, autosomal recessive 5 (DKCB5). Identifiers: MedGen C3554656, MONDO:0014076, OMIM 615190.
Pulmonary fibrosis and/or bone marrow failure, Telomere-related, 3. Also called: PULMONARY FIBROSIS AND/OR BONE MARROW FAILURE SYNDROME, TELOMERE-RELATED, 3. Identifiers: Orphanet 2032, MedGen C4225346, MONDO:0014613, OMIM 616373.

Allele frequency attached by ClinVar (database versions not stated): gnomAD 0.00007; TOPMed 0.00020; 1000 Genomes Project 30x 0.00031; ExAC 0.00033; 1000 Genomes Project 0.00040.
gnomAD v4.1: 149 of 1,610,054 alleles (0.0093%); highest among the groups gnomAD compares: Admixed American, 0.24%; no homozygotes.

Submissions (4):

Blueprint Genetics
Classification: Likely benign. Last evaluated: 2023-10-26. Review status: criteria provided, single submitter. Criteria: ACMG Guidelines, 2015. Collection method: clinical testing. Allele origin: germline.

Labcorp Genetics (formerly Invitae), Labcorp
Classification: Likely benign for Dyskeratosis congenita, autosomal recessive 5; Pulmonary fibrosis and/or bone marrow failure, Telomere-related, 3. Last evaluated: 2021-12-19. Review status: criteria provided, single submitter. Criteria: Invitae Variant Classification Sherloc (09022015). Collection method: clinical testing. Allele origin: germline.

PreventionGenetics, part of Exact Sciences
Classification: Likely benign for RTEL1-related condition. Last evaluated: 2024-08-26. Review status: no assertion criteria provided. Collection method: clinical testing. Allele origin: germline. Not counted in ClinVar's aggregate classification.
Comment: This variant is classified as likely benign based on ACMG/AMP sequence variant interpretation guidelines (Richards et al. 2015 PMID: 25741868, with internal and published modifications).

Natera, Inc.
Classification: Likely benign for Dyskeratosis congenita. Last evaluated: 2020-09-16. Review status: no assertion criteria provided. Collection method: clinical testing. Allele origin: germline. Not counted in ClinVar's aggregate classification.